The following is an entry in ClinVar:

NM_001008537.3(NEXMIF):c.2247_2248del (p.Leu750fs)

Gene: NEXMIF (neurite extension and migration factor; minus strand). Cytogenetic location: Xq13.3.
Variant type: Microsatellite.
Coding change: c.2247_2248del on transcript NM_001008537.3 (MANE Select); coding-DNA positions 2247 to 2248, 2 bases deleted (CT; older notation c.2247_2248delCT).
Protein change: p.Leu750fs; shifts the reading frame from leucine 750.
Molecular consequence: frameshift variant.
Genome position (GRCh38, 1-based): chrX:74,742,309-74,742,310, AG deleted on the plus strand (CT on the coding strand, the reverse complement: NEXMIF is on the minus strand); deleting any 2 consecutive bases within chrX:74,742,309-74,742,314 gives the same sequence; the c. name uses the placement nearest the transcript's 3' end. VCF-style (leftmost placement, unchanged base first): chrX-74742308-AAG-A. GRCh37 (hg19) VCF-style: chrX-73962143-AAG-A.
Other names: short protein forms L750fs.
Identifiers: ClinVar variation 2693579 (VCV002693579.3), dbSNP rs2519914279, ClinGen allele CA2697553157.
Genomic context (GRCh38, chrX:74,742,308, plus strand): 5'-CTGTTTGATGTCCCAGGAATAACTTCATTCTTTAAATTAGCCTTTGAGGATTGGTTTTCC[AAG>A]AGAGGGCTCATTTGAACAATTGGCTTGCTTTCTTGCCCAGCAGCTTTGACTTTCTTAGAT-3'

ClinVar aggregate classification (germline): Pathogenic (1 of 4 stars; one submission).

Submission:

Labcorp Genetics (formerly Invitae), Labcorp
Classification: Pathogenic. Last evaluated: 2023-11-06. Review status: criteria provided, single submitter. Criteria: Invitae Variant Classification Sherloc (09022015). Collection method: clinical testing. Allele origin: germline.
Comment: This sequence change creates a premature translational stop signal (p.Leu750Glyfs*8) in the NEXMIF gene. It is expected to result in an absent or disrupted protein product. Loss-of-function variants in NEXMIF are known to be pathogenic (PMID: 23615299). This variant is not present in population databases (gnomAD no frequency). This variant has not been reported in the literature in individuals affected with NEXMIF-related conditions. For these reasons, this variant has been classified as Pathogenic.

Literature cited by the submitters: PubMed 23615299.